The following is an entry in ClinVar:

NM_000263.4(NAGLU):c.1063del (p.Gln355fs)

Gene: NAGLU (N-acetyl-alpha-glucosaminidase; plus strand). Cytogenetic location: 17q21.2.
Variant type: Deletion.
Coding change: c.1063del on transcript NM_000263.4 (MANE Select); coding-DNA position 1063, one base deleted (C; older notation c.1063delC).
Protein change: p.Gln355fs; shifts the reading frame from glutamine 355.
Molecular consequence: frameshift variant.
Genome position (GRCh38, 1-based): chr17:42,543,069, C deleted; the last of 2 consecutive C bases (chr17:42,543,068-42,543,069); deleting either gives the same sequence. VCF-style (leftmost placement, unchanged base first): chr17-42543067-TC-T. GRCh37 (hg19) VCF-style: chr17-40695085-TC-T.
Other names: short protein forms Q355fs.
Identifiers: ClinVar variation 557773 (VCV000557773.9), dbSNP rs1180591588, ClinGen allele CA658823956.
Genomic context (GRCh38, chr17:42,543,067, plus strand): 5'-CCCCCTACCTCCTGTCCACAGTGGATACTGAGGCTGTGTGGCTGCTCCAAGGCTGGCTCT[TC>T]CAGCACCAGCCGCAGTTCTGGGGGCCCGCCCAGATCAGGGCTGTGCTGGGAGCTGTGCCC-3'

ClinVar aggregate classification (germline): Pathogenic. Review status: criteria provided, single submitter (1 of 4 stars). 2 submissions from 2 submitters: Pathogenic (1). 1 of the submissions does not count toward it. Last evaluated 2022-09-24.

Conditions:
Mucopolysaccharidosis, MPS-III-B (MPS3B). Also called: MPS III B; MUCOPOLYSACCHARIDOSIS, TYPE IIIB; N-ACETYL-ALPHA-D-GLUCOSAMINIDASE DEFICIENCY; NAGLU DEFICIENCY; SANFILIPPO SYNDROME B; Mucopolysaccharidosis type IIIB (Sanfilippo B). Identifiers: Orphanet 79270, MedGen C0086648, MONDO:0009656, OMIM 252920.
Charcot-Marie-Tooth disease axonal type 2V. Also called: CHARCOT-MARIE-TOOTH NEUROPATHY, TYPE 2V; CHARCOT-MARIE-TOOTH DISEASE, AXONAL, AUTOSOMAL DOMINANT, TYPE 2V. Identifiers: Orphanet 447964, MedGen C5569050, MONDO:0014665, OMIM 616491.

Submissions (2):

Labcorp Genetics (formerly Invitae), Labcorp
Classification: Pathogenic for Charcot-Marie-Tooth disease axonal type 2V; Mucopolysaccharidosis, MPS-III-B. Last evaluated: 2022-09-24. Review status: criteria provided, single submitter. Criteria: Invitae Variant Classification Sherloc (09022015). Collection method: clinical testing. Allele origin: germline.
Comment: This sequence change creates a premature translational stop signal (p.Gln355Serfs*66) in the NAGLU gene. While this is not anticipated to result in nonsense mediated decay, it is expected to disrupt the last 389 amino acid(s) of the NAGLU protein. This variant is not present in population databases (gnomAD no frequency). This variant has not been reported in the literature in individuals affected with NAGLU-related conditions. ClinVar contains an entry for this variant (Variation ID: 557773). This variant disrupts a region of the NAGLU protein in which other variant(s) (p.Gln706*) have been determined to be pathogenic (PMID: 9443875, 29661560). This suggests that this is a clinically significant region of the protein, and that variants that disrupt it are likely to be disease-causing. For these reasons, this variant has been classified as Pathogenic.

Counsyl
Classification: Likely pathogenic for Mucopolysaccharidosis, MPS-III-B. Last evaluated: 2018-04-06. Review status: no assertion criteria provided. Collection method: clinical testing. Allele origin: unknown. Not counted in ClinVar's aggregate classification.

Literature cited by the submitters: PubMed 9443875 (cited by Labcorp Genetics (formerly Invitae), Labcorp); PubMed 29661560 (cited by Labcorp Genetics (formerly Invitae), Labcorp).